The following is an entry in ClinVar:

NM_078470.6(COX15):c.1209T>C (p.Asn403=)

Gene: COX15 (cytochrome c oxidase assembly homolog COX15; minus strand). Cytogenetic location: 10q24.2.
Variant type: single nucleotide variant.
Coding change: c.1209T>C on transcript NM_078470.6 (MANE Select); coding-DNA position 1209, T replaced by C.
Protein change: p.Asn403=; no amino-acid change (asparagine 403 retained).
Molecular consequence: synonymous variant. On other transcripts: 3 prime UTR variant (2), non-coding transcript variant (1), intron variant (4).
Genome position (GRCh38, 1-based): chr10:99,714,611, A>G on the plus strand (T>C on the coding strand, the complement: COX15 is on the minus strand). VCF-style: chr10-99714611-A-G. GRCh37 (hg19) VCF-style: chr10-101474368-A-G.
Other names: p.N403N:AAT>AAC; c.*157T>C (NM_001320975.2); c.672T>C, p.Asn224= (NM_001320976.2); c.1227T>C, p.Asn409= (NM_001372025.1); c.1182T>C, p.Asn394= (NM_001372026.1); c.*80T>C (NM_001372027.1); c.1101+1737T>C (NM_001320974.2); c.*50-647T>C (NM_001372028.1); and 2 more.
Identifiers: ClinVar variation 137014 (VCV000137014.10), dbSNP rs34652235, ClinGen allele CA290485.

ClinVar aggregate classification (germline): Benign. Review status: criteria provided, multiple submitters, no conflicts (2 of 4 stars). 3 submissions from 3 submitters: Benign (3). Last evaluated 2019-05-02.

Conditions:
Cardioencephalomyopathy, fatal infantile, due to cytochrome c oxidase deficiency 2 (MC4DN6). Also called: MITOCHONDRIAL COMPLEX IV DEFICIENCY, NUCLEAR TYPE 6. Identifiers: Orphanet 1561, MedGen C3554534, MONDO:0014051, OMIM 615119.

Allele frequency attached by ClinVar (database versions not stated): gnomAD exomes 0.00315; ExAC 0.00400; 1000 Genomes Project 0.01038; 1000 Genomes Project 30x 0.01109; gnomAD 0.01241 and 0.01341; TOPMed 0.01435; ESP Exome Variant Server 0.01438.
gnomAD v4.1: 3,672 of 1,614,130 alleles (0.23%); highest among the groups gnomAD compares: African/African-American, 4.3%; 82 homozygotes.

Submissions (3):

ARUP Laboratories, Molecular Genetics and Genomics, ARUP Laboratories
Classification: Benign for Cardioencephalomyopathy, fatal infantile, due to cytochrome c oxidase deficiency 2. Last evaluated: 2019-05-02. Review status: criteria provided, single submitter. Criteria: ARUP Molecular Germline Variant Investigation Process. Collection method: clinical testing. Allele origin: germline.

GeneDx
Classification: Benign. Last evaluated: 2012-05-18. Review status: criteria provided, single submitter. Criteria: GeneDx Variant Classification (06012015). Collection method: clinical testing. Allele origin: germline. Affected: yes.
Comment: This variant is considered likely benign or benign based on one or more of the following criteria: it is a conservative change, it occurs at a poorly conserved position in the protein, it is predicted to be benign by multiple in silico algorithms, and/or has population frequency not consistent with disease.

Breakthrough Genomics
Classification: Benign. Review status: criteria provided, single submitter. Criteria: ACMG Guidelines, 2015. Collection method: not provided. Allele origin: germline. Inheritance: Autosomal recessive inheritance. Affected: yes.